The following is an entry in ClinVar:

NM_001134407.3(GRIN2A):c.1630G>A (p.Val544Ile)

Gene: GRIN2A (glutamate ionotropic receptor NMDA type subunit 2A; minus strand). Cytogenetic location: 16p13.2.
Variant type: single nucleotide variant.
Coding change: c.1630G>A on transcript NM_001134407.3 (MANE Select); coding-DNA position 1630, G replaced by A.
Protein change: p.Val544Ile; replaces valine 544 with isoleucine.
Molecular consequence: missense variant.
Genome position (GRCh38, 1-based): chr16:9,840,668, C>T on the plus strand (G>A on the coding strand, the complement: GRIN2A is on the minus strand). VCF-style: chr16-9840668-C-T. GRCh37 (hg19) VCF-style: chr16-9934525-C-T.
Other names: c.1630G>A (NM_000833.3); c.1630G>A, p.Val544Ile (NM_000833.5, NM_001134408.2); short protein forms V544I.
Identifiers: ClinVar variation 1059500 (VCV001059500.6), dbSNP rs2141342055, ClinGen allele CA394800213.

ClinVar aggregate classification (germline): Conflicting classifications of pathogenicity. Review status: criteria provided, conflicting classifications (1 of 4 stars). 2 submissions from 2 submitters: Likely pathogenic (1); Uncertain significance (1). Last evaluated 2026-07-17.

Conditions:
Inborn genetic diseases. Identifiers: MedGen C0950123, MeSH D030342.
Landau-Kleffner syndrome (FESD). Also called: APHASIA, ACQUIRED, WITH EPILEPSY; EPILEPSY, FOCAL, WITH SPEECH DISORDER AND WITH OR WITHOUT MENTAL RETARDATION. Identifiers: Orphanet 1945, Orphanet 725, Orphanet 98818, MedGen C0282512, MONDO:0009509, OMIM 245570.

Allele frequency attached by ClinVar (database versions not stated): gnomAD exomes below 0.00001.
gnomAD v4.1: 1 of 1,613,746 alleles (0.000062%); highest among the groups gnomAD compares: Non-Finnish European, 0.000085%; no homozygotes.

Submissions (2):

Ambry Genetics
Classification: Uncertain significance for Inborn genetic diseases. Last evaluated: 2026-07-17. Review status: criteria provided, single submitter. Criteria: Ambry Variant Classification Scheme 2023. Collection method: clinical testing. Allele origin: germline.
Comment: The c.1630G>A (p.V544I) alteration is located in exon 8 (coding exon 6) of the GRIN2A gene. This alteration results from a G to A substitution at nucleotide position 1630, causing the valine (V) at amino acid position 544 to be replaced by an isoleucine (I). This variant was not reported in population-based cohorts in the Genome Aggregation Database (gnomAD). This variant was determined to be de novo in at least one individual with features consistent with GRIN2A-related speech disorders and epilepsy (External communication). This amino acid position is highly conserved in available vertebrate species. This missense variant is located in a region that has a low rate of benign missense variation (Lek, 2016; Firth, 2009). This alteration is predicted to be tolerated by in silico analysis. Based on insufficient or conflicting evidence, the clinical significance of this alteration remains unclear.

Labcorp Genetics (formerly Invitae), Labcorp
Classification: Likely pathogenic for Landau-Kleffner syndrome. Last evaluated: 2024-01-05. Review status: criteria provided, single submitter. Criteria: Invitae Variant Classification Sherloc (09022015). Collection method: clinical testing. Allele origin: germline.
Comment: This sequence change replaces valine, which is neutral and non-polar, with isoleucine, which is neutral and non-polar, at codon 544 of the GRIN2A protein (p.Val544Ile). This variant is not present in population databases (gnomAD no frequency). This missense change has been observed in individual(s) with clinical features of developmental and epileptic encephalopathy (Invitae). In at least one individual the variant was observed to be de novo. ClinVar contains an entry for this variant (Variation ID: 1059500). Advanced modeling of protein sequence and biophysical properties (such as structural, functional, and spatial information, amino acid conservation, physicochemical variation, residue mobility, and thermodynamic stability) has been performed at Invitae for this missense variant, however the output from this modeling did not meet the statistical confidence thresholds required to predict the impact of this variant on GRIN2A protein function. In summary, the currently available evidence indicates that the variant is pathogenic, but additional data are needed to prove that conclusively. Therefore, this variant has been classified as Likely Pathogenic.